The following is an entry in ClinVar:

NM_032551.5(KISS1R):c.1157G>C (p.Arg386Pro)

Gene: KISS1R (KISS1 receptor; plus strand). Cytogenetic location: 19p13.3.
Variant type: single nucleotide variant.
Coding change: c.1157G>C on transcript NM_032551.5 (MANE Select); coding-DNA position 1157, G replaced by C.
Protein change: p.Arg386Pro; replaces arginine 386 with proline.
Molecular consequence: missense variant.
Genome position (GRCh38, 1-based): chr19:920,708, G>C. VCF-style: chr19-920708-G-C. GRCh37 (hg19) VCF-style: chr19-920708-G-C.
Other names: short protein forms R386P.
Identifiers: ClinVar variation 5760 (VCV000005760.10), dbSNP rs121908499, ClinGen allele CA117720.

ClinVar aggregate classification (germline): Conflicting classifications of pathogenicity. Review status: criteria provided, conflicting classifications (1 of 4 stars). 5 submissions from 5 submitters: Uncertain significance (2); Likely benign (1). 2 of the submissions do not count toward it. Last evaluated 2025-06-12.

Conditions:
Hypogonadotropic hypogonadism 8 with or without anosmia (HH8). Also called: HYPOGONADOTROPIC HYPOGONADISM 8 WITH ANOSMIA, SUSCEPTIBILITY TO; KISS1R-Related GnRH Deficiency. Identifiers: Orphanet 478, MedGen C3553841, MONDO:0013910, OMIM 614837.
Central precocious puberty 1. Also called: Precocious puberty, gonadotropin-dependent; Centra precocious puberty 1. Identifiers: Orphanet 759, MedGen C3805879, MONDO:0008302, OMIM 176400.

Allele frequency attached by ClinVar (database versions not stated): TOPMed 0.00078; gnomAD 0.00088 and 0.00080; 1000 Genomes Project 30x 0.00109; gnomAD exomes 0.00012; ExAC 0.00079; 1000 Genomes Project 0.00120.
gnomAD v4.1: 205 of 1,306,098 alleles (0.016%); highest among the groups gnomAD compares: African/African-American, 0.29%; no homozygotes.

Submissions (5):

Labcorp Genetics (formerly Invitae), Labcorp
Classification: Likely benign. Last evaluated: 2025-06-12. Review status: criteria provided, single submitter. Criteria: Invitae Variant Classification Sherloc (09022015). Collection method: clinical testing. Allele origin: germline.

Greenwood Genetic Center Diagnostic Laboratories, Greenwood Genetic Center
Classification: Uncertain significance. Last evaluated: 2025-06-09. Review status: criteria provided, single submitter. Criteria: ACMG Guidelines, 2015. Collection method: clinical testing. Allele origin: germline. Affected: yes.
Comment: BS1

Genomic Medicine Center of Excellence, King Faisal Specialist Hospital and Research Centre
Classification: Uncertain significance for Hypogonadotropic hypogonadism 8 with or without anosmia. Last evaluated: 2024-12-19. Review status: criteria provided, single submitter. Criteria: ACMG Guidelines, 2015. Collection method: clinical testing. Allele origin: germline.

OMIM
Classification: Pathogenic for PRECOCIOUS PUBERTY, CENTRAL, 1 (1 family). Last evaluated: 2008-02-14. Review status: no assertion criteria provided. Collection method: literature only. Allele origin: germline. Not counted in ClinVar's aggregate classification.

GeneDx
Classification: Likely pathogenic. Last evaluated: 2015-06-25. Review status: flagged submission. Criteria: GeneDx Variant Classification (06012015). Collection method: clinical testing. Allele origin: germline. Affected: yes. Not counted in ClinVar's aggregate classification.
Comment: The R386P variant was not observed in approximately 5,300 individuals of European and African American ancestry in the NHLBI Exome Sequencing Project, indicating it is not a common benign variant in these populations. The R386P variant is a non-conservative amino acid substitution, which is likely to impact secondary protein structure as these residues differ in polarity, charge, size and/or other properties. However, this substitution occurs at a position that is not conserved across species. In vitro studies indicate that R386P results in prolonged activation of intracellular GPR54 signaling pathways in response kisspeptin, suggestive of a gain-of-function effect (Teles et al., 2008; Bianco et al., 2011). Given the available data, we consider R386P to be a strong candidate for a disease-causing variant; however, the possibility it may be a rare benign variant cannot be excluded.
ClinVar note: Reason: Older claim that does not account for recent evidence

Literature cited by the submitters: PubMed 18272894 (cited by OMIM).